The following is an entry in ClinVar:

NM_001379110.1(SLC9A6):c.487G>A (p.Ala163Thr)

Gene: SLC9A6 (solute carrier family 9 member A6; plus strand). Cytogenetic location: Xq26.3.
Variant type: single nucleotide variant.
Coding change: c.487G>A on transcript NM_001379110.1 (MANE Select); coding-DNA position 487, G replaced by A.
Protein change: p.Ala163Thr; replaces alanine 163 with threonine.
Molecular consequence: missense variant.
Genome position (GRCh38, 1-based): chrX:135,998,521, G>A. VCF-style: chrX-135998521-G-A. GRCh37 (hg19) VCF-style: chrX-135080680-G-A.
Other names: p.A183T:GCT>ACT; p.Ala183Thr; c.643G>A, p.Ala215Thr (NM_001042537.2); c.487G>A, p.Ala163Thr (NM_001177651.2); c.391G>A, p.Ala131Thr (NM_001330652.2); c.547G>A, p.Ala183Thr (NM_006359.3); short protein forms A183T, A215T, A163T, A131T.
Identifiers: ClinVar variation 207239 (VCV000207239.20), dbSNP rs796053281, ClinGen allele CA318518.

ClinVar aggregate classification (germline): Uncertain significance. Review status: reviewed by expert panel (3 of 4 stars). 4 submissions from 4 submitters: Uncertain significance (1). 3 of the submissions do not count toward it. Last evaluated 2023-08-28.

Conditions:
Christianson syndrome (MRXSCH). Also called: SLC9A6-Related Syndromic Mental Retardation; INTELLECTUAL DEVELOPMENTAL DISORDER, X-LINKED, SYNDROMIC, CHRISTIANSON TYPE; X-linked mental retardation, syndromic, Christianson type. Identifiers: Orphanet 85278, MedGen C2678194, MONDO:0010278, OMIM 300243.

Allele frequency attached by ClinVar (database versions not stated): gnomAD exomes below 0.00001.
gnomAD v4.1: 1 of 1,189,789 alleles (0.000084%); highest among the groups gnomAD compares: Non-Finnish European, 0.00011%; no homozygotes.

Submissions (4):

ClinGen Rett and Angelman-like Disorders Variant Curation Expert Panel
Classification: Uncertain significance for Christianson syndrome. Last evaluated: 2023-08-28. Review status: reviewed by expert panel. Criteria: ClinGen RettAS ACMG Specifications SLC9A6 V3.0.0. Collection method: curation. Allele origin: germline. Inheritance: X-linked inheritance.
Comment: The p.Ala215Thr variant in SLC9A6 is absent from gnomAD (PM2_supporting). The p.Ala163Thr variant is observed in at least 1 unaffected individual (internal database) (BS2_Supporting). In summary, the p.Ala215Thr variant in the SLC9A6 gene is classified as a Variant of Uncertain Significance based on the ACMG/AMP criteria (PM2_supporting, BS2_Supporting, BP5).

Mayo Clinic Laboratories, Mayo Clinic
Classification: Uncertain significance. Last evaluated: 2023-05-05. Review status: criteria provided, single submitter. Criteria: ACMG Guidelines, 2015. Collection method: clinical testing. Allele origin: germline. Observed: 1 variant allele. Not counted in ClinVar's aggregate classification.
Comment: BP5, PM2

GeneDx
Classification: Likely benign. Last evaluated: 2021-12-21. Review status: criteria provided, single submitter. Criteria: GeneDx Variant Classification Process June 2021. Collection method: clinical testing. Allele origin: germline. Affected: yes. Not counted in ClinVar's aggregate classification.
Comment: See Variant Classification Assertion Criteria.

Labcorp Genetics (formerly Invitae), Labcorp
Classification: Uncertain significance for Christianson syndrome. Last evaluated: 2020-02-22. Review status: criteria provided, single submitter. Criteria: Invitae Variant Classification Sherloc (09022015). Collection method: clinical testing. Allele origin: germline. Not counted in ClinVar's aggregate classification.
Comment: In summary, the available evidence is currently insufficient to determine the role of this variant in disease. Therefore, it has been classified as a Variant of Uncertain Significance. Algorithms developed to predict the effect of missense changes on protein structure and function are either unavailable or do not agree on the potential impact of this missense change (SIFT: "Deleterious"; PolyPhen-2: "Possibly Damaging"; Align-GVGD: "Class C0"). This variant has not been reported in the literature in individuals with SLC9A6-related conditions. ClinVar contains an entry for this variant (Variation ID: 207239). This variant is not present in population databases (ExAC no frequency). This sequence change replaces alanine with threonine at codon 183 of the SLC9A6 protein (p.Ala183Thr). The alanine residue is highly conserved and there is a small physicochemical difference between alanine and threonine.